The following is an entry in ClinVar:

NM_018480.7(TMEM126B):c.648T>C (p.Tyr216=)

Gene: TMEM126B (transmembrane protein 126B; plus strand). Cytogenetic location: 11q14.1.
Variant type: single nucleotide variant.
Coding change: c.648T>C on transcript NM_018480.7 (MANE Select); coding-DNA position 648, T replaced by C.
Protein change: p.Tyr216=; no amino-acid change (tyrosine 216 retained).
Molecular consequence: synonymous variant. On other transcripts: non-coding transcript variant (2).
Genome position (GRCh38, 1-based): chr11:85,636,184, T>C. VCF-style: chr11-85636184-T-C. GRCh37 (hg19) VCF-style: chr11-85347228-T-C.
Other names: c.588T>C, p.Tyr196= (NM_001193537.3); c.558T>C, p.Tyr186= (NM_001193538.3, NM_001256546.2); c.510T>C, p.Tyr170= (NM_001256547.2); c.423T>C, p.Tyr141= (NM_001350393.1).
Identifiers: ClinVar variation 3054176 (VCV003054176.2), dbSNP rs765233284, ClinGen allele CA6212629.

ClinVar aggregate classification (germline): Likely benign (0 of 4 stars; one submission).

Conditions:
TMEM126B-related disorder. Also called: TMEM126B-related condition.

Allele frequency attached by ClinVar (database versions not stated): gnomAD 0.00001; ExAC 0.00002.
gnomAD v4.1: 36 of 1,591,304 alleles (0.0023%); highest among the groups gnomAD compares: Non-Finnish European, 0.003%; no homozygotes.

Submission:

PreventionGenetics, part of Exact Sciences
Classification: Likely benign for TMEM126B-related condition. Last evaluated: 2022-06-14. Review status: no assertion criteria provided. Collection method: clinical testing. Allele origin: germline.
Comment: This variant is classified as likely benign based on ACMG/AMP sequence variant interpretation guidelines (Richards et al. 2015 PMID: 25741868, with internal and published modifications).